The following is an entry in ClinVar:

ClinVar aggregate classification (germline): Uncertain significance (1 of 4 stars; one submission).

Conditions:
Werner syndrome (WRN). Identifiers: Orphanet 902, MedGen C0043119, MONDO:0010196, OMIM 277700.

Submission:

Labcorp Genetics (formerly Invitae), Labcorp
Classification: Uncertain significance for Werner syndrome. Last evaluated: 2022-02-20. Review status: criteria provided, single submitter. Criteria: Invitae Variant Classification Sherloc (09022015). Collection method: clinical testing. Allele origin: germline.
Comment: In summary, the available evidence is currently insufficient to determine the role of this variant in disease. Therefore, it has been classified as a Variant of Uncertain Significance. Algorithms developed to predict the effect of missense changes on protein structure and function output the following: SIFT: "Not Available"; PolyPhen-2: "Benign"; Align-GVGD: "Not Available". The isoleucine amino acid residue is found in multiple mammalian species, which suggests that this missense change does not adversely affect protein function. ClinVar contains an entry for this variant (Variation ID: 852968). This variant has not been reported in the literature in individuals affected with WRN-related conditions. This variant is not present in population databases (gnomAD no frequency). This sequence change replaces threonine, which is neutral and polar, with isoleucine, which is neutral and non-polar, at codon 9 of the WRN protein (p.Thr9Ile).

NM_000553.6(WRN):c.26C>T (p.Thr9Ile)

Gene: WRN (WRN RecQ like helicase; plus strand). Cytogenetic location: 8p12.
Variant type: single nucleotide variant.
Coding change: c.26C>T on transcript NM_000553.6 (MANE Select); coding-DNA position 26, C replaced by T.
Protein change: p.Thr9Ile; replaces threonine 9 with isoleucine.
Molecular consequence: missense variant.
Genome position (GRCh38, 1-based): chr8:31,058,473, C>T. VCF-style: chr8-31058473-C-T. GRCh37 (hg19) VCF-style: chr8-30915989-C-T.
Other names: short protein forms T9I.
Identifiers: ClinVar variation 852968 (VCV000852968.6), dbSNP rs1812358866, ClinGen allele CA370912056.